The following is an entry in ClinVar:

NM_002618.4(PEX13):c.566G>T (p.Arg189Leu)

Gene: PEX13 (peroxisomal biogenesis factor 13; plus strand). Cytogenetic location: 2p15.
Variant type: single nucleotide variant.
Coding change: c.566G>T on transcript NM_002618.4 (MANE Select); coding-DNA position 566, G replaced by T.
Protein change: p.Arg189Leu; replaces arginine 189 with leucine.
Molecular consequence: missense variant.
Genome position (GRCh38, 1-based): chr2:61,031,892, G>T. VCF-style: chr2-61031892-G-T. GRCh37 (hg19) VCF-style: chr2-61259027-G-T.
Other names: p.Arg189Leu; short protein forms R189L.
Identifiers: ClinVar variation 1496559 (VCV001496559.6), dbSNP rs777179456, ClinGen allele CA1673312.
Genomic context (GRCh38, chr2:61,031,892, plus strand): 5'-CCCGATTGAAAATACACTTTACAAAAGTGTTTTCAGCTTTTGCATTGGTTAGGACTATAC[G>T]GTATCTTTACAGACGGCTACAGCGGATGTTAGGTTTAAGAAGAGGCTCTGAGAATGAAGA-3'
Protein context (NP_002609.1, residues 179-199): FSAFALVRTI[Arg189Leu]YLYRRLQRML

ClinVar aggregate classification (germline): Uncertain significance. Review status: criteria provided, multiple submitters, no conflicts (2 of 4 stars). 2 submissions from 2 submitters: Uncertain significance (2). Last evaluated 2023-01-26.

Conditions:
Peroxisome biogenesis disorder 11A (Zellweger). Also called: Peroxisome biogenesis disorder 11A. Identifiers: Orphanet 912, MedGen C3554000, MONDO:0013949, OMIM 614883.

Allele frequency attached by ClinVar (database versions not stated): gnomAD 0.00003.
gnomAD v4.1: 92 of 1,613,336 alleles (0.0057%); highest among the groups gnomAD compares: South Asian, 0.099%; no homozygotes.

Submissions (2):

Mayo Clinic Laboratories, Mayo Clinic
Classification: Uncertain significance. Last evaluated: 2023-01-26. Review status: criteria provided, single submitter. Criteria: ACMG Guidelines, 2015. Collection method: clinical testing. Allele origin: germline. Observed: 1 variant allele.
Comment: PP3

Labcorp Genetics (formerly Invitae), Labcorp
Classification: Uncertain significance for Peroxisome biogenesis disorder 11A (Zellweger). Last evaluated: 2022-08-22. Review status: criteria provided, single submitter. Criteria: Invitae Variant Classification Sherloc (09022015). Collection method: clinical testing. Allele origin: germline.
Comment: This sequence change replaces arginine, which is basic and polar, with leucine, which is neutral and non-polar, at codon 189 of the PEX13 protein (p.Arg189Leu). This variant is present in population databases (rs777179456, gnomAD 0.09%). This variant has not been reported in the literature in individuals affected with PEX13-related conditions. ClinVar contains an entry for this variant (Variation ID: 1496559). Algorithms developed to predict the effect of missense changes on protein structure and function are either unavailable or do not agree on the potential impact of this missense change (SIFT: "Tolerated"; PolyPhen-2: "Probably Damaging"; Align-GVGD: "Class C0"). In summary, the available evidence is currently insufficient to determine the role of this variant in disease. Therefore, it has been classified as a Variant of Uncertain Significance.